The following is an entry in ClinVar:

ClinVar aggregate classification (germline): Uncertain significance (1 of 4 stars; one submission).

Conditions:
Multiple congenital anomalies-hypotonia-seizures syndrome 1 (MCAHS1). Also called: GLYCOSYLPHOSPHATIDYLINOSITOL BIOSYNTHESIS DEFECT 3; PIGN-CDG; Congenital disorder of glycosylation due to PIGN deficiency. Identifiers: Orphanet 280633, MedGen C3279775, MONDO:0013563, OMIM 614080.

Allele frequency attached by ClinVar (database versions not stated): TOPMed 0.00001.

Submission:

Labcorp Genetics (formerly Invitae), Labcorp
Classification: Uncertain significance for Multiple congenital anomalies-hypotonia-seizures syndrome 1. Last evaluated: 2022-09-19. Review status: criteria provided, single submitter. Criteria: Invitae Variant Classification Sherloc (09022015). Collection method: clinical testing. Allele origin: germline.
Comment: In summary, the available evidence is currently insufficient to determine the role of this variant in disease. Therefore, it has been classified as a Variant of Uncertain Significance. Algorithms developed to predict the effect of sequence changes on RNA splicing suggest that this variant may disrupt the consensus splice site. This variant has not been reported in the literature in individuals affected with PIGN-related conditions. This variant is not present in population databases (gnomAD no frequency). This sequence change falls in intron 26 of the PIGN gene. It does not directly change the encoded amino acid sequence of the PIGN protein.

NM_176787.5(PIGN):c.2427-17T>G

Gene: PIGN (phosphatidylinositol glycan anchor biosynthesis class N; minus strand). Cytogenetic location: 18q21.33.
Variant type: single nucleotide variant.
Coding change: c.2427-17T>G on transcript NM_176787.5 (MANE Select); 17 bases into the intron before coding-DNA position 2427, T replaced by G.
Molecular consequence: intron variant.
Genome position (GRCh38, 1-based): chr18:62,084,623, A>C on the plus strand (T>G on the coding strand, the complement: PIGN is on the minus strand). VCF-style: chr18-62084623-A-C. GRCh37 (hg19) VCF-style: chr18-59751856-A-C.
Other names: c.2427-17T>G (NM_012327.6).
Identifiers: ClinVar variation 1976826 (VCV001976826.5), dbSNP rs959412960, ClinGen allele CA301690167.
Genomic context (GRCh38, chr18:62,084,623, plus strand): 5'-GACTGAACACAGTCAGAAAGCAATAGACAGAGGCAAGATCAAAGCTAGGGAATTATAACA[A>C]GGAAAAAGAATTTAGAATTCACTCTGTAACTTTAAAAGAATATTCTTCTAAAAAGATGTT-3'